The following is an entry in ClinVar:

ClinVar aggregate classification (germline): Uncertain significance. Review status: criteria provided, multiple submitters, no conflicts (2 of 4 stars). 2 submissions from 2 submitters: Uncertain significance (2). Last evaluated 2024-01-31.

Conditions:
Inborn genetic diseases. Identifiers: MedGen C0950123, MeSH D030342.

Allele frequency attached by ClinVar (database versions not stated): gnomAD 0.00002 and 0.00003; TOPMed 0.00004; gnomAD exomes 0.00008.
gnomAD v4.1: 11 of 1,351,776 alleles (0.00081%); highest among the groups gnomAD compares: East Asian, 0.034%; no homozygotes.

Submissions (2):

Ambry Genetics
Classification: Uncertain significance for Inborn genetic diseases. Last evaluated: 2024-01-31. Review status: criteria provided, single submitter. Criteria: Ambry Variant Classification Scheme 2023. Collection method: clinical testing. Allele origin: germline.

Labcorp Genetics (formerly Invitae), Labcorp
Classification: Uncertain significance. Last evaluated: 2022-09-13. Review status: criteria provided, single submitter. Criteria: Invitae Variant Classification Sherloc (09022015). Collection method: clinical testing. Allele origin: germline.
Comment: This sequence change replaces proline, which is neutral and non-polar, with arginine, which is basic and polar, at codon 131 of the GRM6 protein (p.Pro131Arg). This variant is present in population databases (no rsID available, gnomAD 0.2%). This variant has not been reported in the literature in individuals affected with GRM6-related conditions. ClinVar contains an entry for this variant (Variation ID: 1018110). Advanced modeling of protein sequence and biophysical properties (such as structural, functional, and spatial information, amino acid conservation, physicochemical variation, residue mobility, and thermodynamic stability) performed at Invitae indicates that this missense variant is not expected to disrupt GRM6 protein function. In summary, the available evidence is currently insufficient to determine the role of this variant in disease. Therefore, it has been classified as a Variant of Uncertain Significance.

NM_000843.4(GRM6):c.392C>G (p.Pro131Arg)

Gene: GRM6 (glutamate metabotropic receptor 6; minus strand). Cytogenetic location: 5q35.3.
Variant type: single nucleotide variant.
Coding change: c.392C>G on transcript NM_000843.4 (MANE Select); coding-DNA position 392, C replaced by G.
Protein change: p.Pro131Arg; replaces proline 131 with arginine.
Molecular consequence: missense variant.
Genome position (GRCh38, 1-based): chr5:178,994,553, G>C on the plus strand (C>G on the coding strand, the complement: GRM6 is on the minus strand). VCF-style: chr5-178994553-G-C. GRCh37 (hg19) VCF-style: chr5-178421554-G-C.
Other names: c.392C>G (NM_000843.3); short protein forms P131R.
Identifiers: ClinVar variation 1018110 (VCV001018110.6), dbSNP rs1313941306, ClinGen allele CA362435942.